The following is an entry in ClinVar:

ClinVar aggregate classification (germline): Benign. Review status: criteria provided, multiple submitters, no conflicts (2 of 4 stars). 4 submissions from 4 submitters: Benign (3). 1 of the submissions does not count toward it. Last evaluated 2022-03-24.

Conditions:
TAF15-related disorder. Also called: TAF15-related condition.

Allele frequency attached by ClinVar (database versions not stated): gnomAD 0.09533 and 0.09475; ExAC 0.10274; ESP Exome Variant Server 0.09496; 1000 Genomes Project 0.05871; TOPMed 0.08718; gnomAD exomes 0.10186 and 0.11763.
gnomAD v4.1: 185,409 of 1,602,052 alleles (12%); highest among the groups gnomAD compares: Middle Eastern, 16%; 11,910 homozygotes.

Submissions (4):

Mayo Clinic Laboratories, Mayo Clinic
Classification: Benign. Last evaluated: 2022-03-24. Review status: criteria provided, single submitter. Criteria: ACMG Guidelines, 2015. Collection method: clinical testing. Allele origin: germline. Observed: 256 variant alleles.

GeneDx
Classification: Benign. Last evaluated: 2018-08-14. Review status: criteria provided, single submitter. Criteria: GeneDx Variant Classification Process June 2021. Collection method: clinical testing. Allele origin: germline. Affected: yes.

Breakthrough Genomics
Classification: Benign. Review status: criteria provided, single submitter. Criteria: ACMG Guidelines, 2015. Collection method: not provided. Allele origin: germline. Inheritance: Unknown mechanism. Affected: yes.

PreventionGenetics, part of Exact Sciences
Classification: Benign for TAF15-related condition. Last evaluated: 2019-05-16. Review status: no assertion criteria provided. Collection method: clinical testing. Allele origin: germline. Not counted in ClinVar's aggregate classification.
Comment: This variant is classified as benign based on ACMG/AMP sequence variant interpretation guidelines (Richards et al. 2015 PMID: 25741868, with internal and published modifications).

NM_139215.3(TAF15):c.1524C>T (p.Tyr508=)

Gene: TAF15 (TATA-box binding protein associated factor 15; plus strand). Cytogenetic location: 17q12.
Variant type: single nucleotide variant.
Coding change: c.1524C>T on transcript NM_139215.3 (MANE Select); coding-DNA position 1524, C replaced by T.
Protein change: p.Tyr508=; no amino-acid change (tyrosine 508 retained).
Molecular consequence: synonymous variant.
Genome position (GRCh38, 1-based): chr17:35,844,823, C>T. VCF-style: chr17-35844823-C-T. GRCh37 (hg19) VCF-style: chr17-34171827-C-T.
Other names: p.Tyr508=; c.1515C>T, p.Tyr505= (NM_003487.4).
Identifiers: ClinVar variation 1249602 (VCV001249602.6), dbSNP rs4251786, ClinGen allele CA290041586.